The following is an entry in ClinVar:

ClinVar aggregate classification (germline): Uncertain significance. Review status: criteria provided, single submitter (1 of 4 stars). 2 submissions from 2 submitters: Uncertain significance (1). 1 of the submissions does not count toward it. Last evaluated 2025-12-08.

Conditions:
DNAH9-related disorder. Also called: DNAH9-related condition.

Allele frequency attached by ClinVar (database versions not stated): gnomAD 0.00001 and 0.00005; TOPMed 0.00002; 1000 Genomes Project 30x 0.00016; 1000 Genomes Project 0.00020; gnomAD exomes 0.00021; ExAC 0.00031.
gnomAD v4.1: 156 of 1,613,922 alleles (0.0097%); highest among the groups gnomAD compares: South Asian, 0.15%; 1 homozygote.

Submissions (2):

Labcorp Genetics (formerly Invitae), Labcorp
Classification: Uncertain significance. Last evaluated: 2025-12-08. Review status: criteria provided, single submitter. Criteria: Invitae Variant Classification Sherloc (09022015). Collection method: clinical testing. Allele origin: germline.
Comment: This sequence change replaces tyrosine, which is neutral and polar, with aspartic acid, which is acidic and polar, at codon 418 of the DNAH9 protein (p.Tyr418Asp). This variant is present in population databases (rs529230683, gnomAD 0.2%). This variant has not been reported in the literature in individuals affected with DNAH9-related conditions. ClinVar contains an entry for this variant (Variation ID: 1423823). An algorithm developed to predict the effect of missense changes on protein structure and function (PolyPhen-2) suggests that this variant is likely to be tolerated. In summary, the available evidence is currently insufficient to determine the role of this variant in disease. Therefore, it has been classified as a Variant of Uncertain Significance.

PreventionGenetics, part of Exact Sciences
Classification: Likely benign for DNAH9-related condition. Last evaluated: 2023-08-09. Review status: no assertion criteria provided. Collection method: clinical testing. Allele origin: germline. Not counted in ClinVar's aggregate classification.
Comment: This variant is classified as likely benign based on ACMG/AMP sequence variant interpretation guidelines (Richards et al. 2015 PMID: 25741868, with internal and published modifications).

NM_001372.4(DNAH9):c.1252T>G (p.Tyr418Asp)

Gene: DNAH9 (dynein axonemal heavy chain 9; plus strand). Cytogenetic location: 17p12.
Variant type: single nucleotide variant.
Coding change: c.1252T>G on transcript NM_001372.4 (MANE Select); coding-DNA position 1252, T replaced by G.
Protein change: p.Tyr418Asp; replaces tyrosine 418 with aspartic acid.
Molecular consequence: missense variant.
Genome position (GRCh38, 1-based): chr17:11,619,683, T>G. VCF-style: chr17-11619683-T-G. GRCh37 (hg19) VCF-style: chr17-11523000-T-G.
Other names: c.1252T>G (NM_001372.3); short protein forms Y418D.
Identifiers: ClinVar variation 1423823 (VCV001423823.8), dbSNP rs529230683, ClinGen allele CA8394786.